The following is an entry in ClinVar:

ClinVar aggregate classification (germline): Uncertain significance (1 of 4 stars; one submission).

Submission:

Labcorp Genetics (formerly Invitae), Labcorp
Classification: Uncertain significance. Last evaluated: 2023-11-15. Review status: criteria provided, single submitter. Criteria: Invitae Variant Classification Sherloc (09022015). Collection method: clinical testing. Allele origin: germline.
Comment: This sequence change replaces proline, which is neutral and non-polar, with threonine, which is neutral and polar, at codon 930 of the TUBGCP6 protein (p.Pro930Thr). This variant is not present in population databases (gnomAD no frequency). This variant has not been reported in the literature in individuals affected with TUBGCP6-related conditions. An algorithm developed to predict the effect of missense changes on protein structure and function (PolyPhen-2) suggests that this variant is likely to be tolerated. In summary, the available evidence is currently insufficient to determine the role of this variant in disease. Therefore, it has been classified as a Variant of Uncertain Significance.

NM_020461.4(TUBGCP6):c.2788C>A (p.Pro930Thr)

Gene: TUBGCP6 (tubulin gamma complex component 6; minus strand). Cytogenetic location: 22q13.33.
Variant type: single nucleotide variant.
Coding change: c.2788C>A on transcript NM_020461.4 (MANE Select); coding-DNA position 2788, C replaced by A.
Protein change: p.Pro930Thr; replaces proline 930 with threonine.
Molecular consequence: missense variant.
Genome position (GRCh38, 1-based): chr22:50,221,571, G>T on the plus strand (C>A on the coding strand, the complement: TUBGCP6 is on the minus strand). VCF-style: chr22-50221571-G-T. GRCh37 (hg19) VCF-style: chr22-50660000-G-T.
Other names: short protein forms P930T.
Identifiers: ClinVar variation 2797957 (VCV002797957.3), dbSNP rs1162500699, ClinGen allele CA412186804.
Genomic context (GRCh38, chr22:50,221,571, plus strand): 5'-CCTGTGGCCTGGAGGGCTGAGTGCTGGCTGCTGCGGGTGCCTCCCCAGGAGCTGAGGGGG[G>T]CAGGTCCAAGTTAATGGTCTGCAGCGCCACCTCCAGGAGAGGGACCATGCCAGTCTGCAC-3'
Protein context (NP_065194.3, residues 920-940): VALQTINLDL[Pro930Thr]PSAPGEAPAA